The following is an entry in ClinVar:

ClinVar aggregate classification (germline): Benign/Likely benign. Review status: criteria provided, multiple submitters, no conflicts (2 of 4 stars). 4 submissions from 4 submitters: Benign (1); Likely benign (3). Last evaluated 2026-01-19.

Allele frequency attached by ClinVar (database versions not stated): ExAC 0.00097; 1000 Genomes Project 0.00280; 1000 Genomes Project 30x 0.00281; ESP Exome Variant Server 0.00323; TOPMed 0.00326.
gnomAD v4.1: 991 of 1,611,422 alleles (0.061%); highest among the groups gnomAD compares: African/African-American, 0.87%; 5 homozygotes.

Submissions (4):

Labcorp Genetics (formerly Invitae), Labcorp
Classification: Benign. Last evaluated: 2026-01-19. Review status: criteria provided, single submitter. Criteria: Invitae Variant Classification Sherloc (09022015). Collection method: clinical testing. Allele origin: germline.

Blueprint Genetics
Classification: Likely benign. Last evaluated: 2024-10-23. Review status: criteria provided, single submitter. Criteria: ACMG Guidelines, 2015. Collection method: clinical testing. Allele origin: germline.

GeneDx
Classification: Likely benign. Last evaluated: 2016-12-15. Review status: criteria provided, single submitter. Criteria: GeneDx Variant Classification (06012015). Collection method: clinical testing. Allele origin: germline. Affected: yes.
Comment: This variant is considered likely benign or benign based on one or more of the following criteria: it is a conservative change, it occurs at a poorly conserved position in the protein, it is predicted to be benign by multiple in silico algorithms, and/or has population frequency not consistent with disease.

Breakthrough Genomics
Classification: Likely benign. Review status: criteria provided, single submitter. Criteria: ACMG Guidelines, 2015. Collection method: not provided. Allele origin: germline. Inheritance: Autosomal recessive inheritance. Affected: yes.

NM_002887.4(RARS1):c.1410A>T (p.Leu470=)

Gene: RARS1 (arginyl-tRNA synthetase 1; plus strand). Cytogenetic location: 5q34.
Variant type: single nucleotide variant.
Coding change: c.1410A>T on transcript NM_002887.4 (MANE Select); coding-DNA position 1410, A replaced by T.
Protein change: p.Leu470=; no amino-acid change (leucine 470 retained).
Molecular consequence: synonymous variant.
Genome position (GRCh38, 1-based): chr5:168,510,644, A>T. VCF-style: chr5-168510644-A-T. GRCh37 (hg19) VCF-style: chr5-167937649-A-T.
Identifiers: ClinVar variation 382112 (VCV000382112.13), dbSNP rs34723836, ClinGen allele CA3549916.
Genomic context (GRCh38, chr5:168,510,644, plus strand): 5'-AAAGTTTAAAACACGTTCGGGTGAAACAGTGCGCCTCATGGATCTTCTGGGAGAAGGACT[A>T]AAACGATCCATGGACAAGTTGAAGGAAAAAGAAAGAGACAAGGTAATTCAAAGCCTTATA-3'
Protein context (NP_002878.2, residues 460-480): VRLMDLLGEG[Leu470=]KRSMDKLKEK